The following is an entry in ClinVar:

ClinVar aggregate classification (germline): Pathogenic. Review status: reviewed by expert panel (3 of 4 stars). 4 submissions from 4 submitters: Pathogenic (1). 3 of the submissions do not count toward it. Last evaluated 2016-09-08.

Conditions:
Hereditary cancer-predisposing syndrome. Also called: Tumor predisposition; Hereditary Cancer Syndrome; Neoplastic Syndromes, Hereditary; Hereditary neoplastic syndrome. Identifiers: Orphanet 140162, MedGen C0027672, MeSH D009386, MONDO:0015356.
Hereditary breast ovarian cancer syndrome. Also called: Breast and ovarian cancer; Hereditary breast and ovarian cancer; Hereditary breast and ovarian cancer syndrome; BRCA1- and BRCA2-Associated Hereditary Breast and Ovarian Cancer; Hereditary breast and ovarian cancer syndrome (HBOC); Hereditary breast and/or ovarian cancer syndrome. Identifiers: Orphanet 145, MedGen C0677776, MeSH D061325, MONDO:0003582. Disease mechanism: loss of function.
Breast-ovarian cancer, familial, susceptibility to, 2 (BROVCA2). Also called: BRCA2 Hereditary Breast and Ovarian Cancer. Identifiers: Orphanet 145, MedGen C2675520, MONDO:0012933, OMIM 612555. Disease mechanism: loss of function.

Submissions (4):

Evidence-based Network for the Interpretation of Germline Mutant Alleles (ENIGMA)
Classification: Pathogenic for Breast-ovarian cancer, familial, susceptibility to, 2. Last evaluated: 2016-09-08. Review status: reviewed by expert panel. Criteria: ENIGMA BRCA1/2 Classification Criteria (2015). Collection method: curation. Allele origin: germline.
Comment: Variant allele predicted to encode a truncated non-functional protein.

Labcorp Genetics (formerly Invitae), Labcorp
Classification: Pathogenic for Hereditary breast ovarian cancer syndrome. Last evaluated: 2024-11-26. Review status: criteria provided, single submitter. Criteria: Invitae Variant Classification Sherloc (09022015). Collection method: clinical testing. Allele origin: germline. Not counted in ClinVar's aggregate classification.
Comment: This sequence change creates a premature translational stop signal (p.Lys467Glufs*17) in the BRCA2 gene. It is expected to result in an absent or disrupted protein product. Loss-of-function variants in BRCA2 are known to be pathogenic (PMID: 20104584). This variant is not present in population databases (gnomAD no frequency). This variant has not been reported in the literature in individuals affected with BRCA2-related conditions. ClinVar contains an entry for this variant (Variation ID: 91751). For these reasons, this variant has been classified as Pathogenic.

Ambry Genetics
Classification: Pathogenic for Hereditary cancer-predisposing syndrome. Last evaluated: 2024-09-25. Review status: criteria provided, single submitter. Criteria: Ambry Variant Classification Scheme 2023. Collection method: clinical testing. Allele origin: germline. Not counted in ClinVar's aggregate classification.
Comment: The c.1399_1402delAAGA pathogenic mutation, located in coding exon 9 of the BRCA2 gene, results from a deletion of 4 nucleotides at nucleotide positions 1399 to 1402, causing a translational frameshift with a predicted alternate stop codon (p.K467Efs*17). This variant is considered to be rare based on population cohorts in the Genome Aggregation Database (gnomAD). This alteration is expected to result in loss of function by premature protein truncation or nonsense-mediated mRNA decay. As such, this alteration is interpreted as a disease-causing mutation.

Sharing Clinical Reports Project (SCRP)
Classification: Pathogenic for Breast-ovarian cancer, familial 2. Last evaluated: 2011-09-28. Review status: no assertion criteria provided. Collection method: clinical testing. Allele origin: germline. Not counted in ClinVar's aggregate classification.

Literature cited by the submitters: PubMed 20104584 (cited by Labcorp Genetics (formerly Invitae), Labcorp).

NM_000059.4(BRCA2):c.1399_1402del (p.Lys467fs)

Gene: BRCA2 (BRCA2 DNA repair associated; plus strand). Cytogenetic location: 13q13.1.
Variant type: Deletion.
Coding change: c.1399_1402del on transcript NM_000059.4 (MANE Select); coding-DNA positions 1399 to 1402, 4 bases deleted (AAGA; older notation c.1399_1402delAAGA).
Protein change: p.Lys467fs; shifts the reading frame from lysine 467.
Molecular consequence: frameshift variant.
Genome position (GRCh38, 1-based): chr13:32,332,877-32,332,880, AAGA deleted. VCF-style (leftmost placement, unchanged base first): chr13-32332876-TAAGA-T. GRCh37 (hg19) VCF-style: chr13-32907013-TAAGA-T.
Other names: 1627del4; c.1399_1402delAAGA (NM_000059.3); short protein forms K467fs.
Identifiers: ClinVar variation 91751 (VCV000091751.9), dbSNP rs398122726, ClinGen allele CA011902.
Genomic context (GRCh38, chr13:32,332,876, plus strand): 5'-GCCACGTATTTCTAGCCTACCAAAATCAGAGAAGCCATTAAATGAGGAAACAGTGGTAAA[TAAGA>T]GAGATGAAGAGCAGCATCTTGAATCTCATACAGACTGCATTCTTGCAGTAAAGCAGGCAA-3'